The following is an entry in ClinVar:

ClinVar aggregate classification (germline): Pathogenic (1 of 4 stars; one submission).

Conditions:
Joubert syndrome 21 (JBTS21). Identifiers: MedGen C3810212, MONDO:0014288, OMIM 615636.

Submission:

Labcorp Genetics (formerly Invitae), Labcorp
Classification: Pathogenic for Joubert syndrome 21. Last evaluated: 2021-11-18. Review status: criteria provided, single submitter. Criteria: Invitae Variant Classification Sherloc (09022015). Collection method: clinical testing. Allele origin: germline.
Comment: This sequence change creates a premature translational stop signal (p.Asn149Serfs*38) in the CSPP1 gene. It is expected to result in an absent or disrupted protein product. Loss-of-function variants in CSPP1 are known to be pathogenic (PMID: 24360807, 24360808). For these reasons, this variant has been classified as Pathogenic. This variant has not been reported in the literature in individuals affected with CSPP1-related conditions. This variant is present in population databases (no rsID available, gnomAD 0.003%).

Literature cited by the submitters: PubMed 24360807; PubMed 24360808.

NM_001382391.1(CSPP1):c.419_422del (p.Asn140fs)

Gene: CSPP1 (centrosome and spindle pole associated protein 1; plus strand). Cytogenetic location: 8q13.1.
Variant type: Deletion.
Coding change: c.419_422del on transcript NM_001382391.1 (MANE Select); coding-DNA positions 419 to 422, 4 bases deleted (ATCA; older notation c.419_422delATCA).
Protein change: p.Asn140fs; shifts the reading frame from asparagine 140.
Molecular consequence: frameshift variant. On other transcripts: 5 prime UTR variant (1).
Genome position (GRCh38, 1-based): chr8:67,093,577-67,093,580, ATCA deleted; deleting any 4 consecutive bases within chr8:67,093,575-67,093,580 gives the same sequence; the c. name uses the placement nearest the transcript's 3' end. VCF-style (leftmost placement, unchanged base first): chr8-67093574-ACAAT-A. GRCh37 (hg19) VCF-style: chr8-68005809-ACAAT-A.
Other names: c.-437_-434del (NM_001291339.2); c.338_341del, p.Asn113fs (NM_001363131.2, NM_001363133.2); c.419_422del, p.Asn140fs (NM_001363132.2); c.527_530del, p.Asn176fs (NM_001364869.1); c.446_449del, p.Asn149fs (NM_001364870.1); c.446_449delATCA, p.Asn149Serfs (NM_024790.7); short protein forms N176fs, N140fs, N113fs, N149fs.
Identifiers: ClinVar variation 1453404 (VCV001453404.6), dbSNP rs1371078806, ClinGen allele CA582511991.